The following is an entry in ClinVar:

NM_017946.4(FKBP14):c.161G>A (p.Gly54Asp)

Genes: FKBP14 (FKBP prolyl isomerase 14; minus strand), FKBP14-AS1 (FKBP14 antisense RNA 1; plus strand). Cytogenetic location: 7p14.3.
Variant type: single nucleotide variant.
Coding change: c.161G>A on transcript NM_017946.4 (MANE Select); coding-DNA position 161, G replaced by A.
Protein change: p.Gly54Asp; replaces glycine 54 with aspartic acid.
Molecular consequence: missense variant. On other transcripts: non-coding transcript variant (3).
Genome position (GRCh38, 1-based): chr7:30,026,348, C>T on the plus strand (G>A on the coding strand, the complement: FKBP14 is on the minus strand). VCF-style: chr7-30026348-C-T. GRCh37 (hg19) VCF-style: chr7-30065964-C-T.
Other names: short protein forms G54D.
Identifiers: ClinVar variation 4614168 (VCV004614168.1).

ClinVar aggregate classification (germline): Uncertain significance (1 of 4 stars; one submission).

Conditions:
Cardiovascular phenotype. Identifiers: MedGen CN230736.

Submission:

Ambry Genetics
Classification: Uncertain significance for Cardiovascular phenotype. Last evaluated: 2025-11-15. Review status: criteria provided, single submitter. Criteria: Ambry Variant Classification Scheme 2023. Collection method: clinical testing. Allele origin: germline.
Comment: The p.G54D variant (also known as c.161G>A), located in coding exon 1 of the FKBP14 gene, results from a G to A substitution at nucleotide position 161. The glycine at codon 54 is replaced by aspartic acid, an amino acid with similar properties. This amino acid position is conserved. In addition, this alteration is predicted to be deleterious by in silico analysis. Based on the available evidence, the clinical significance of this variant remains unclear.